The following is an entry in ClinVar:

NM_032119.4(ADGRV1):c.4854T>G (p.Asp1618Glu)

Gene: ADGRV1 (adhesion G protein-coupled receptor V1; plus strand). Cytogenetic location: 5q14.3.
Variant type: single nucleotide variant.
Coding change: c.4854T>G on transcript NM_032119.4 (MANE Select); coding-DNA position 4854, T replaced by G.
Protein change: p.Asp1618Glu; replaces aspartic acid 1618 with glutamic acid.
Molecular consequence: missense variant. On other transcripts: non-coding transcript variant (1).
Genome position (GRCh38, 1-based): chr5:90,672,647, T>G. VCF-style: chr5-90672647-T-G. GRCh37 (hg19) VCF-style: chr5-89968464-T-G.
Other names: short protein forms D1618E.
Identifiers: ClinVar variation 3837782 (VCV003837782.2).

ClinVar aggregate classification (germline): Uncertain significance. Review status: criteria provided, multiple submitters, no conflicts (2 of 4 stars). 2 submissions from 2 submitters: Uncertain significance (2). Last evaluated 2025-08-08.

Conditions:
Inborn genetic diseases. Identifiers: MedGen C0950123, MeSH D030342.

gnomAD v4.1: 5 of 1,613,722 alleles (0.00031%); highest among the groups gnomAD compares: East Asian, 0.011%; no homozygotes.

Submissions (2):

Labcorp Genetics (formerly Invitae), Labcorp
Classification: Uncertain significance. Last evaluated: 2025-08-08. Review status: criteria provided, single submitter. Criteria: Invitae Variant Classification Sherloc (09022015). Collection method: clinical testing. Allele origin: germline.
Comment: This sequence change replaces aspartic acid, which is acidic and polar, with glutamic acid, which is acidic and polar, at codon 1618 of the ADGRV1 protein (p.Asp1618Glu). This variant is present in population databases (rs753265478, gnomAD 0.03%). This variant has not been reported in the literature in individuals affected with ADGRV1-related conditions. ClinVar contains an entry for this variant (Variation ID: 3837782). An algorithm developed to predict the effect of missense changes on protein structure and function (PolyPhen-2) suggests that this variant is likely to be tolerated. In summary, the available evidence is currently insufficient to determine the role of this variant in disease. Therefore, it has been classified as a Variant of Uncertain Significance.

Ambry Genetics
Classification: Uncertain significance for Inborn genetic diseases. Last evaluated: 2025-01-01. Review status: criteria provided, single submitter. Criteria: Ambry Variant Classification Scheme 2023. Collection method: clinical testing. Allele origin: germline.